The following is an entry in ClinVar:

NM_005908.4(MANBA):c.397G>A (p.Val133Met)

Gene: MANBA (mannosidase beta; minus strand). Cytogenetic location: 4q24.
Variant type: single nucleotide variant.
Coding change: c.397G>A on transcript NM_005908.4 (MANE Select); coding-DNA position 397, G replaced by A.
Protein change: p.Val133Met; replaces valine 133 with methionine.
Molecular consequence: missense variant.
Genome position (GRCh38, 1-based): chr4:102,723,023, C>T on the plus strand (G>A on the coding strand, the complement: MANBA is on the minus strand). VCF-style: chr4-102723023-C-T. GRCh37 (hg19) VCF-style: chr4-103644180-C-T.
Other names: c.397G>A (NM_005908.3); short protein forms V133M.
Identifiers: ClinVar variation 2731202 (VCV002731202.5), dbSNP rs201237452, ClinGen allele CA3027233.
Genomic context (GRCh38, chr4:102,723,023, plus strand): 5'-GTGCTGCATACAACACCGCTGACTGGAAACGCAGCTCAATGGAGTTCACGTCCCTGACCA[C>T]GTTGGTAATATCAAAGCTCTAAGTTAAAGGGAACAATCAGACAAACCCATGATGTGGAAG-3'
Protein context (NP_005899.3, residues 123-143): FNRYSFDITN[Val133Met]VRDVNSIELR

ClinVar aggregate classification (germline): Likely benign. Review status: criteria provided, single submitter (1 of 4 stars). 2 submissions from 2 submitters: Likely benign (1). 1 of the submissions does not count toward it. Last evaluated 2026-01-28.

Conditions:
MANBA-related disorder. Also called: MANBA-related condition.
Beta-D-mannosidosis (MANSB). Also called: Beta-Mannosidosis; MANNOSIDOSIS, BETA A, LYSOSOMAL; BETA-MANNOSIDASE DEFICIENCY; LYSOSOMAL BETA-MANNOSIDASE DEFICIENCY. Identifiers: Orphanet 118, MedGen C4048196, MONDO:0009562, OMIM 248510.

Allele frequency attached by ClinVar (database versions not stated): gnomAD 0.00007; TOPMed 0.00003; 1000 Genomes Project 30x 0.00031; 1000 Genomes Project 0.00040; gnomAD exomes 0.00017; ExAC 0.00036.
gnomAD v4.1: 254 of 1,613,866 alleles (0.016%); highest among the groups gnomAD compares: South Asian, 0.26%; 3 homozygotes.

Submissions (2):

Labcorp Genetics (formerly Invitae), Labcorp
Classification: Likely benign for Beta-D-mannosidosis. Last evaluated: 2026-01-28. Review status: criteria provided, single submitter. Criteria: Invitae Variant Classification Sherloc (09022015). Collection method: clinical testing. Allele origin: germline.

PreventionGenetics, part of Exact Sciences
Classification: Likely benign for MANBA-related condition. Last evaluated: 2024-02-22. Review status: no assertion criteria provided. Collection method: clinical testing. Allele origin: germline. Not counted in ClinVar's aggregate classification.
Comment: This variant is classified as likely benign based on ACMG/AMP sequence variant interpretation guidelines (Richards et al. 2015 PMID: 25741868, with internal and published modifications).